The following is an entry in ClinVar:

ClinVar aggregate classification (germline): Uncertain significance. Review status: criteria provided, multiple submitters, no conflicts (2 of 4 stars). 2 submissions from 2 submitters: Uncertain significance (2). Last evaluated 2024-06-19.

Conditions:
Inborn genetic diseases. Identifiers: MedGen C0950123, MeSH D030342.

Allele frequency attached by ClinVar (database versions not stated): gnomAD exomes below 0.00001; ExAC 0.00001; gnomAD 0.00003; TOPMed 0.00005.
gnomAD v4.1: 12 of 1,613,964 alleles (0.00074%); highest among the groups gnomAD compares: African/African-American, 0.013%; no homozygotes.

Submissions (2):

Ambry Genetics
Classification: Uncertain significance for Inborn genetic diseases. Last evaluated: 2024-06-19. Review status: criteria provided, single submitter. Criteria: Ambry Variant Classification Scheme 2023. Collection method: clinical testing. Allele origin: germline.

GeneDx
Classification: Uncertain significance. Last evaluated: 2022-12-21. Review status: criteria provided, single submitter. Criteria: GeneDx Variant Classification Process June 2021. Collection method: clinical testing. Allele origin: germline. Affected: yes.
Comment: Not observed at significant frequency in large population cohorts (gnomAD); In silico analysis supports that this missense variant has a deleterious effect on protein structure/function; Has not been previously published as pathogenic or benign to our knowledge

NM_001349206.2(LPIN1):c.2458A>G (p.Lys820Glu)

Gene: LPIN1 (lipin 1; plus strand). Cytogenetic location: 2p25.1.
Variant type: single nucleotide variant.
Coding change: c.2458A>G on transcript NM_001349206.2 (MANE Select); coding-DNA position 2458, A replaced by G.
Protein change: p.Lys820Glu; replaces lysine 820 with glutamic acid.
Molecular consequence: missense variant. On other transcripts: non-coding transcript variant (1).
Genome position (GRCh38, 1-based): chr2:11,819,539, A>G. VCF-style: chr2-11819539-A-G. GRCh37 (hg19) VCF-style: chr2-11959665-A-G.
Other names: c.2368A>G, p.Lys790Glu (NM_001261427.3); c.2605A>G, p.Lys869Glu (NM_001261428.3); c.2350A>G, p.Lys784Glu (NM_001349199.2, NM_145693.4); c.2428A>G, p.Lys810Glu (NM_001349200.2, NM_001349201.2); c.2455A>G, p.Lys819Glu (NM_001349202.2, NM_001349203.2); c.2458A>G, p.Lys820Glu (NM_001349204.2, NM_001349205.2); c.2548A>G, p.Lys850Glu (NM_001349207.2); c.2497A>G, p.Lys833Glu (NM_001349208.2); and 1 more; short protein forms K784E, K790E, K810E, K819E, K820E, K833E, K850E, K869E.
Identifiers: ClinVar variation 2506670 (VCV002506670.2), dbSNP rs776351541, ClinGen allele CA1534110.
Genomic context (GRCh38, chr2:11,819,539, plus strand): 5'-AACAGAGAAGTGATTGAAAAGAAGCCAGAAAAGTTTAAAGTCCAGTGTTTGACAGACATC[A>G]AAAACCTGTTTTTCCCCAACACAGAACCCTTTTATGCTGCTTTTGGAAACCGACCAGCTG-3'
Protein context (NP_001336135.1, residues 810-830): KFKVQCLTDI[Lys820Glu]NLFFPNTEPF